The following is an entry in ClinVar:

NM_001377540.1(SLMAP):c.1897C>G (p.Leu633Val)

Gene: SLMAP (sarcolemma associated protein; plus strand). Cytogenetic location: 3p14.3.
Variant type: single nucleotide variant.
Coding change: c.1897C>G on transcript NM_001377540.1 (MANE Select); coding-DNA position 1897, C replaced by G.
Protein change: p.Leu633Val; replaces leucine 633 with valine.
Molecular consequence: missense variant. On other transcripts: non-coding transcript variant (1).
Genome position (GRCh38, 1-based): chr3:57,912,578, C>G. VCF-style: chr3-57912578-C-G. GRCh37 (hg19) VCF-style: chr3-57898305-C-G.
Other names: c.1846C>G, p.Leu616Val (NM_001304420.3, NM_001377541.1, NM_001377542.1); c.1732C>G, p.Leu578Val (NM_001304421.2, NM_001377557.1, NM_001377559.1); c.448C>G, p.Leu150Val (NM_001304422.3, NM_001311178.2); c.250C>G, p.Leu84Val (NM_001304423.3); c.325C>G, p.Leu109Val (NM_001311179.2, NM_001377926.1, NM_001377927.1 and 1 more transcripts); c.1918C>G, p.Leu640Val (NM_001377538.1); c.1897C>G, p.Leu633Val (NM_001377539.1); c.1834C>G, p.Leu612Val (NM_001377545.1); and 8 more; short protein forms L150V, L537V, L592V, L595V, L633V, L558V, L575V, L599V.
Identifiers: ClinVar variation 3665842 (VCV003665842.2).

ClinVar aggregate classification (germline): Uncertain significance (1 of 4 stars; one submission).

Conditions:
Brugada syndrome. Also called: Sudden unexpected nocturnal death syndrome; Sudden unexplained nocturnal death syndrome; Sudden Unexplained Death Syndrome; Sudden Unexplained Nocturnal Death Syndrome (SUNDS). Identifiers: Orphanet 130, MedGen C1142166, MONDO:0015263.

gnomAD v4.1: 2 of 1,614,110 alleles (0.00012%); highest among the groups gnomAD compares: Non-Finnish European, 0.00017%; no homozygotes.

Submission:

Labcorp Genetics (formerly Invitae), Labcorp
Classification: Uncertain significance for Brugada syndrome. Last evaluated: 2025-01-27. Review status: criteria provided, single submitter. Criteria: Invitae Variant Classification Sherloc (09022015). Collection method: clinical testing. Allele origin: germline.
Comment: This sequence change replaces leucine, which is neutral and non-polar, with valine, which is neutral and non-polar, at codon 599 of the SLMAP protein (p.Leu599Val). This variant is not present in population databases (gnomAD no frequency). This variant has not been reported in the literature in individuals affected with SLMAP-related conditions. An algorithm developed to predict the effect of missense changes on protein structure and function (PolyPhen-2) suggests that this variant is likely to be disruptive. In summary, the available evidence is currently insufficient to determine the role of this variant in disease. Therefore, it has been classified as a Variant of Uncertain Significance.